The following is an entry in ClinVar:

NM_005012.4(ROR1):c.2749G>A (p.Ala917Thr)

Gene: ROR1 (receptor tyrosine kinase like orphan receptor 1; plus strand). Cytogenetic location: 1p31.3.
Variant type: single nucleotide variant.
Coding change: c.2749G>A on transcript NM_005012.4 (MANE Select); coding-DNA position 2749, G replaced by A.
Protein change: p.Ala917Thr; replaces alanine 917 with threonine.
Molecular consequence: missense variant.
Genome position (GRCh38, 1-based): chr1:64,178,790, G>A. VCF-style: chr1-64178790-G-A. GRCh37 (hg19) VCF-style: chr1-64644473-G-A.
Other names: short protein forms A917T.
Identifiers: ClinVar variation 3616009 (VCV003616009.2).

ClinVar aggregate classification (germline): Uncertain significance (1 of 4 stars; one submission).

gnomAD v4.1: 2 of 1,614,086 alleles (0.00012%); highest among the groups gnomAD compares: Admixed American, 0.0033%; no homozygotes.

Submission:

Labcorp Genetics (formerly Invitae), Labcorp
Classification: Uncertain significance. Last evaluated: 2024-09-17. Review status: criteria provided, single submitter. Criteria: Invitae Variant Classification Sherloc (09022015). Collection method: clinical testing. Allele origin: germline.
Comment: This sequence change replaces alanine, which is neutral and non-polar, with threonine, which is neutral and polar, at codon 917 of the ROR1 protein (p.Ala917Thr). This variant is present in population databases (rs776286055, gnomAD 0.006%). This variant has not been reported in the literature in individuals affected with ROR1-related conditions. An algorithm developed to predict the effect of missense changes on protein structure and function (PolyPhen-2) suggests that this variant is likely to be tolerated. In summary, the available evidence is currently insufficient to determine the role of this variant in disease. Therefore, it has been classified as a Variant of Uncertain Significance.